The following is an entry in ClinVar:

ClinVar aggregate classification (germline): Uncertain significance (1 of 4 stars; one submission).

Submission:

Labcorp Genetics (formerly Invitae), Labcorp
Classification: Uncertain significance. Last evaluated: 2021-08-18. Review status: criteria provided, single submitter. Criteria: Invitae Variant Classification Sherloc (09022015). Collection method: clinical testing. Allele origin: germline.
Comment: Algorithms developed to predict the effect of missense changes on protein structure and function are either unavailable or do not agree on the potential impact of this missense change (SIFT: "Not Available"; PolyPhen-2: "Probably Damaging"; Align-GVGD: "Not Available"). In summary, the available evidence is currently insufficient to determine the role of this variant in disease. Therefore, it has been classified as a Variant of Uncertain Significance. This sequence change replaces isoleucine with methionine at codon 189 of the NTHL1 protein (p.Ile189Met). The isoleucine residue is moderately conserved and there is a small physicochemical difference between isoleucine and methionine. This variant has not been reported in the literature in individuals affected with NTHL1-related conditions. This variant is not present in population databases (ExAC no frequency).

NM_002528.7(NTHL1):c.543C>G (p.Ile181Met)

Gene: NTHL1 (nth like DNA glycosylase 1; minus strand). Cytogenetic location: 16p13.3.
Variant type: single nucleotide variant.
Coding change: c.543C>G on transcript NM_002528.7 (MANE Select); coding-DNA position 543, C replaced by G.
Protein change: p.Ile181Met; replaces isoleucine 181 with methionine.
Molecular consequence: missense variant.
Genome position (GRCh38, 1-based): chr16:2,043,709, G>C on the plus strand (C>G on the coding strand, the complement: NTHL1 is on the minus strand). VCF-style: chr16-2043709-G-C. GRCh37 (hg19) VCF-style: chr16-2093710-G-C.
Other names: c.372C>G, p.Ile124Met (NM_001318193.2); c.213C>G, p.Ile71Met (NM_001318194.2); short protein forms I71M, I181M, I124M.
Identifiers: ClinVar variation 1431212 (VCV001431212.6), dbSNP rs2150941427, ClinGen allele CA394292453.
Genomic context (GRCh38, chr16:2,043,709, plus strand): 5'-GGCCACAGAGGCTGGGATGTCCCCACCGTAGTGCTGCTGCAGGATGGCGCTGGTCTGCTT[G>C]ATGTATTTCACCTTGCTCTGAAAGACAGGGGTGGGTTCAGCCTTGGAGGCAAGGGCACAG-3'
Protein context (NP_002519.2, residues 171-191): VGFWRSKVKY[Ile181Met]KQTSAILQQH